The following is an entry in ClinVar:

NM_152906.7(TANGO2):c.381-3C>T

Gene: TANGO2 (transport and golgi organization 2 homolog; plus strand). Cytogenetic location: 22q11.21.
Variant type: single nucleotide variant.
Coding change: c.381-3C>T on transcript NM_152906.7 (MANE Select); 3 bases into the intron before coding-DNA position 381, C replaced by T.
Molecular consequence: intron variant.
Genome position (GRCh38, 1-based): chr22:20,055,940, C>T. VCF-style: chr22-20055940-C-T. GRCh37 (hg19) VCF-style: chr22-20043463-C-T.
Other names: c.381-3C>T (NM_001283106.3, NM_001283154.3, NM_001322142.2 and 2 more transcripts); c.265+3356C>T (NM_001322163.2, NM_001283179.3, NM_001322167.2 and 4 more transcripts); c.87-3C>T (NM_001322174.2, NM_001322172.2, NM_001322175.2 and 6 more transcripts); c.279-3C>T (NM_001322160.2, NM_001322146.2, NM_001322148.2); c.504-3C>T (NM_001322143.2, NM_001322141.2, NM_001283129.3 and 2 more transcripts); c.388+3356C>T (NM_001322145.2, NM_001322147.2); c.380+2389C>T (NM_001283199.3); c.503+2389C>T (NM_001322149.2).
Identifiers: ClinVar variation 2821000 (VCV002821000.3), dbSNP rs2518899874, ClinGen allele CA2739267800.

ClinVar aggregate classification (germline): Uncertain significance (1 of 4 stars; one submission).

Submission:

Labcorp Genetics (formerly Invitae), Labcorp
Classification: Uncertain significance. Last evaluated: 2023-06-29. Review status: criteria provided, single submitter. Criteria: Invitae Variant Classification Sherloc (09022015). Collection method: clinical testing. Allele origin: germline.
Comment: In summary, the available evidence is currently insufficient to determine the role of this variant in disease. Therefore, it has been classified as a Variant of Uncertain Significance. Variants that disrupt the consensus splice site are a relatively common cause of aberrant splicing (PMID: 17576681, 9536098). Algorithms developed to predict the effect of sequence changes on RNA splicing suggest that this variant is not likely to affect RNA splicing. This variant has not been reported in the literature in individuals affected with TANGO2-related conditions. This variant is not present in population databases (gnomAD no frequency). This sequence change falls in intron 5 of the TANGO2 gene. It does not directly change the encoded amino acid sequence of the TANGO2 protein. It affects a nucleotide within the consensus splice site.

Literature cited by the submitters: PubMed 17576681; PubMed 9536098.